The following is an entry in ClinVar:

ClinVar aggregate classification (germline): Uncertain significance (1 of 4 stars; one submission).

Conditions:
Hereditary cancer-predisposing syndrome. Also called: Neoplastic Syndromes, Hereditary; Tumor predisposition; Hereditary neoplastic syndrome; Hereditary Cancer Syndrome. Identifiers: Orphanet 140162, MedGen C0027672, MeSH D009386, MONDO:0015356.

Submission:

Ambry Genetics
Classification: Uncertain significance for Hereditary cancer-predisposing syndrome. Last evaluated: 2026-07-09. Review status: criteria provided, single submitter. Criteria: Ambry Variant Classification Scheme 2023. Collection method: clinical testing. Allele origin: germline.
Comment: The p.E507A variant (also known as c.1520A>C), located in coding exon 6 of the BLM gene, results from an A to C substitution at nucleotide position 1520. The glutamic acid at codon 507 is replaced by alanine, an amino acid with dissimilar properties. This amino acid position is conserved. In addition, this alteration is predicted to be tolerated by in silico analysis. Based on the available evidence, the clinical significance of this variant remains unclear.

NM_000057.4(BLM):c.1520A>C (p.Glu507Ala)

Gene: BLM (BLM RecQ like helicase; plus strand). Cytogenetic location: 15q26.1.
Variant type: single nucleotide variant.
Coding change: c.1520A>C on transcript NM_000057.4 (MANE Select); coding-DNA position 1520, A replaced by C.
Protein change: p.Glu507Ala; replaces glutamic acid 507 with alanine.
Molecular consequence: missense variant.
Genome position (GRCh38, 1-based): chr15:90,760,893, A>C. VCF-style: chr15-90760893-A-C. GRCh37 (hg19) VCF-style: chr15-91304123-A-C.
Other names: c.1520A>C, p.Glu507Ala (NM_001287246.2, NM_001287247.2); c.395A>C, p.Glu132Ala (NM_001287248.2); short protein forms E132A, E507A.
Identifiers: ClinVar variation 5032901 (VCV005032901.1).
Genomic context (GRCh38, chr15:90,760,893, plus strand): 5'-TTGAAAGGCCTTTATTCAATACCCATTTACAGAAGTCCTTTGTAAGTAGCAACTGGGCTG[A>C]AACACCAAGACTAGGAAAAAAAAATGAAAGCTCTTATTTCCCAGGAAATGTTCTCACAAG-3'
Protein context (NP_000048.1, residues 497-517): QKSFVSSNWA[Glu507Ala]TPRLGKKNES